The following is an entry in ClinVar:

ClinVar aggregate classification (germline): Uncertain significance (1 of 4 stars; one submission).

Conditions:
Cornelia de Lange syndrome 1 (CDLS1). Also called: Brachmann de Lange syndrome; NIPBL-Related Cornelia de Lange Syndrome; TYPUS DEGENERATIVUS AMSTELODAMENSIS. Identifiers: Orphanet 199, MedGen C4551851, MONDO:0007387, OMIM 122470.

Allele frequency attached by ClinVar (database versions not stated): TOPMed 0.00001.

Submission:

Labcorp Genetics (formerly Invitae), Labcorp
Classification: Uncertain significance for Cornelia de Lange syndrome 1. Last evaluated: 2025-02-10. Review status: criteria provided, single submitter. Criteria: Invitae Variant Classification Sherloc (09022015). Collection method: clinical testing. Allele origin: germline.
Comment: This sequence change replaces methionine, which is neutral and non-polar, with valine, which is neutral and non-polar, at codon 1535 of the NIPBL protein (p.Met1535Val). This variant is not present in population databases (gnomAD no frequency). This variant has not been reported in the literature in individuals affected with NIPBL-related conditions. ClinVar contains an entry for this variant (Variation ID: 2963128). Invitae Evidence Modeling of protein sequence and biophysical properties (such as structural, functional, and spatial information, amino acid conservation, physicochemical variation, residue mobility, and thermodynamic stability) has been performed for this missense variant. However, the output from this modeling did not meet the statistical confidence thresholds required to predict the impact of this variant on NIPBL protein function. In summary, the available evidence is currently insufficient to determine the role of this variant in disease. Therefore, it has been classified as a Variant of Uncertain Significance.

NM_133433.4(NIPBL):c.4603A>G (p.Met1535Val)

Gene: NIPBL (NIPBL cohesin loading factor; plus strand). Cytogenetic location: 5p13.2.
Variant type: single nucleotide variant.
Coding change: c.4603A>G on transcript NM_133433.4 (MANE Select); coding-DNA position 4603, A replaced by G.
Protein change: p.Met1535Val; replaces methionine 1535 with valine.
Molecular consequence: missense variant.
Genome position (GRCh38, 1-based): chr5:37,014,725, A>G. VCF-style: chr5-37014725-A-G. GRCh37 (hg19) VCF-style: chr5-37014827-A-G.
Other names: c.4603A>G, p.Met1535Val (NM_015384.5); short protein forms M1535V.
Identifiers: ClinVar variation 2963128 (VCV002963128.3), dbSNP rs1391864467, ClinGen allele CA359480873.
Genomic context (GRCh38, chr5:37,014,725, plus strand): 5'-CACTTTTTTTCATTCTAGATTGACCAGGATGTTGTCATTACTAACTCTTATGAAACAGCT[A>G]TGCGAACAGCCCAAAACTTCCTCTCCATCTTCCTTAAAAAGTGAGTAAAATTAATATAAA-3'
Protein context (NP_597677.2, residues 1525-1545): VVITNSYETA[Met1535Val]RTAQNFLSIF